The following is an entry in ClinVar:

NM_018474.6(KIZ):c.1490G>A (p.Arg497His)

Genes: KIZ-AS1 (KIZ antisense RNA 1; minus strand), KIZ (kizuna centrosomal protein; plus strand). Cytogenetic location: 20p11.23.
Variant type: single nucleotide variant.
Coding change: c.1490G>A on transcript NM_018474.6 (MANE Select); coding-DNA position 1490, G replaced by A.
Protein change: p.Arg497His; replaces arginine 497 with histidine.
Molecular consequence: missense variant.
Genome position (GRCh38, 1-based): chr20:21,214,578, G>A. VCF-style: chr20-21214578-G-A. GRCh37 (hg19) VCF-style: chr20-21195216-G-A.
Other names: c.1181G>A, p.Arg394His (NM_001163022.3); c.1091G>A, p.Arg364His (NM_001163023.3); c.1343G>A, p.Arg448His (NM_001276389.2); c.1436G>A, p.Arg479His (NM_001352434.2); c.1127G>A, p.Arg376His (NM_001352435.2); c.1148G>A, p.Arg383His (NM_001352436.2); short protein forms R364H, R376H, R383H, R394H, R448H, R479H, R497H.
Identifiers: ClinVar variation 1014062 (VCV001014062.8), dbSNP rs763856883, ClinGen allele CA9784888.
Genomic context (GRCh38, chr20:21,214,578, plus strand): 5'-TTTTTGAAACACTGTAGGCAACAGCATTATTGAGAAAAGCCCTTACAGAAGAGTGTGGCC[G>A]TAGGTCAGCTATTCACAGTAGTGAATCATCTTGCAGCTTGCCATCTATTCTGAATGACAA-3'
Protein context (NP_060944.3, residues 487-507): LRKALTEECG[Arg497His]RSAIHSSESS

ClinVar aggregate classification (germline): Uncertain significance (1 of 4 stars; one submission).

Allele frequency attached by ClinVar (database versions not stated): ExAC 0.00001; TOPMed 0.00002; gnomAD exomes 0.00004.
gnomAD v4.1: 16 of 1,613,054 alleles (0.00099%); highest among the groups gnomAD compares: East Asian, 0.02%; no homozygotes.

Submission:

Labcorp Genetics (formerly Invitae), Labcorp
Classification: Uncertain significance. Last evaluated: 2023-11-27. Review status: criteria provided, single submitter. Criteria: Invitae Variant Classification Sherloc (09022015). Collection method: clinical testing. Allele origin: germline.
Comment: This sequence change replaces arginine, which is basic and polar, with histidine, which is basic and polar, at codon 497 of the KIZ protein (p.Arg497His). This variant is present in population databases (rs763856883, gnomAD 0.03%). This missense change has been observed in individual(s) with clinical features of inherited retinal dystrophy (Invitae). ClinVar contains an entry for this variant (Variation ID: 1014062). Experimental studies and prediction algorithms are not available or were not evaluated, and the functional significance of this variant is currently unknown. In summary, the available evidence is currently insufficient to determine the role of this variant in disease. Therefore, it has been classified as a Variant of Uncertain Significance.